The following is an entry in ClinVar:

NM_001276345.2(TNNT2):c.572T>C (p.Met191Thr)

Gene: TNNT2 (troponin T2, cardiac type; minus strand). Cytogenetic location: 1q32.1.
Variant type: single nucleotide variant.
Coding change: c.572T>C on transcript NM_001276345.2 (MANE Select); coding-DNA position 572, T replaced by C.
Protein change: p.Met191Thr; replaces methionine 191 with threonine.
Molecular consequence: missense variant.
Genome position (GRCh38, 1-based): chr1:201,363,324, A>G on the plus strand (T>C on the coding strand, the complement: TNNT2 is on the minus strand). VCF-style: chr1-201363324-A-G. GRCh37 (hg19) VCF-style: chr1-201332452-A-G.
Other names: c.572T>C, p.Met191Thr (NM_000364.4); c.542T>C, p.Met181Thr (NM_001001430.3, NM_001001431.3, NM_001276347.2); c.527T>C, p.Met176Thr (NM_001001432.3); c.452T>C, p.Met151Thr (NM_001276346.2); short protein forms M181T, M191T, M176T, M151T.
Identifiers: ClinVar variation 626364 (VCV000626364.10), dbSNP rs869025538, ClinGen allele CA344204334.

ClinVar aggregate classification (germline): Uncertain significance. Review status: criteria provided, multiple submitters, no conflicts (2 of 4 stars). 6 submissions from 4 submitters: Uncertain significance (6). Last evaluated 2025-05-02.

Conditions:
Hypertrophic cardiomyopathy 2. Also called: TNNT2-Related Familial Hypertrophic Cardiomyopathy. Identifiers: MedGen C1861864, MONDO:0007266, OMIM 115195.
Cardiomyopathy, familial restrictive, 3. Identifiers: Orphanet 75249, MedGen C2676271, MONDO:0012900, OMIM 612422.
Dilated cardiomyopathy 1D. Identifiers: Orphanet 154, Orphanet 54260, MedGen C1832243, MONDO:0011095, OMIM 601494.
Cardiomyopathy (CMYO). Also called: Cardiomyopathies. Identifiers: Orphanet 167848, MedGen C0878544, MONDO:0004994, HP:0001638. Inheritance: Various modes of inheritance.

Allele frequency attached by ClinVar (database versions not stated): gnomAD exomes below 0.00001.

Submissions (6):

Victorian Clinical Genetics Services, Murdoch Childrens Research Institute
Classification: Uncertain significance for Dilated cardiomyopathy 1D. Last evaluated: 2025-05-02. Review status: criteria provided, single submitter. Criteria: ACMG Guidelines, 2015. Collection method: clinical testing. Allele origin: germline. Affected: yes.
Comment: This variant is classified as VUS-3A. Evidence in support of pathogenic classification: Variant is present in gnomAD <0.001 for a dominant condition (v4: 1 heterozygote(s), 0 homozygote(s)); Missense variant predicted to be damaging by in silico tool(s) or highly conserved with a major amino acid change. Additional information: Variant is predicted to result in a missense amino acid change from methionine to threonine; This variant is heterozygous; This gene is associated with autosomal dominant disease; Previous evidence of pathogenicity for this variant is inconclusive. This variant has been classified as a VUS by clinical laboratories; it has been identified in two unrelated individuals with DCM or HCM, and in one family with no personal or family history related to DCM (ClinVar, personal communications); No published segregation evidence has been identified for this variant; No published functional evidence has been identified for this variant; Other missense variant(s) comparable to the one identified in this case have inconclusive previous evidence for pathogenicity. p.(Met191Ile), p.(Met191Leu), p.(Met191Arg), and p.(Met191Val) have been classified as VUS by clinical laboratories in ClinVar; Variant is located in the annotated troponin domain (DECIPHER); The mechanism of disease for this gene is not clearly established. Functional studies have suggested loss-of-function, gain-of-function and dominant-negative mechanisms based on calcium sensitivity, contractibility and mouse models (PMIDs: 18612386, 32098556, 33025817); Variants in this gene are known to have variable expressivity; e.g., the variant p.(Arg92Gln) has been reported to cause both DCM and HCM, even within the same family (PMID: 26507537).

Genome-Nilou Lab
Classification: Uncertain significance for Dilated cardiomyopathy 1D. Last evaluated: 2023-04-11. Review status: criteria provided, single submitter. Criteria: ACMG Guidelines, 2015. Collection method: clinical testing. Allele origin: germline. Affected: no.

Genome-Nilou Lab
Classification: Uncertain significance for Cardiomyopathy, familial restrictive, 3. Last evaluated: 2023-04-11. Review status: criteria provided, single submitter. Criteria: ACMG Guidelines, 2015. Collection method: clinical testing. Allele origin: germline. Affected: no.

Genome-Nilou Lab
Classification: Uncertain significance for Hypertrophic cardiomyopathy 2. Last evaluated: 2023-04-11. Review status: criteria provided, single submitter. Criteria: ACMG Guidelines, 2015. Collection method: clinical testing. Allele origin: germline. Affected: no.

Labcorp Genetics (formerly Invitae), Labcorp
Classification: Uncertain significance for Cardiomyopathy, familial restrictive, 3; Hypertrophic cardiomyopathy 2; Dilated cardiomyopathy 1D. Last evaluated: 2022-03-25. Review status: criteria provided, single submitter. Criteria: Invitae Variant Classification Sherloc (09022015). Collection method: clinical testing. Allele origin: germline.
Comment: ClinVar contains an entry for this variant (Variation ID: 626364). This variant has not been reported in the literature in individuals affected with TNNT2-related conditions. This variant is not present in population databases (gnomAD no frequency). This sequence change replaces methionine, which is neutral and non-polar, with threonine, which is neutral and polar, at codon 181 of the TNNT2 protein (p.Met181Thr). Algorithms developed to predict the effect of missense changes on protein structure and function are either unavailable or do not agree on the potential impact of this missense change (SIFT: "Tolerated"; PolyPhen-2: "Probably Damaging"; Align-GVGD: "Class C0"). In summary, the available evidence is currently insufficient to determine the role of this variant in disease. Therefore, it has been classified as a Variant of Uncertain Significance.

CHEO Genetics Diagnostic Laboratory, Children's Hospital of Eastern Ontario
Classification: Uncertain significance for Cardiomyopathy. Last evaluated: 2021-09-27. Review status: criteria provided, single submitter. Criteria: ACMG Guidelines, 2015. Collection method: clinical testing. Allele origin: germline. Study: Canadian Open Genetics Repository.

Literature cited by the submitters: PubMed 33025817 (cited by Victorian Clinical Genetics Services, Murdoch Childrens Research Institute); PubMed 26507537 (cited by Victorian Clinical Genetics Services, Murdoch Childrens Research Institute); PubMed 32098556 (cited by Victorian Clinical Genetics Services, Murdoch Childrens Research Institute); PubMed 18612386 (cited by Victorian Clinical Genetics Services, Murdoch Childrens Research Institute).